The following is an entry in ClinVar:

NM_004655.4(AXIN2):c.1321G>T (p.Asp441Tyr)

Gene: AXIN2 (axin 2; minus strand). Cytogenetic location: 17q24.1.
Variant type: single nucleotide variant.
Coding change: c.1321G>T on transcript NM_004655.4 (MANE Select); coding-DNA position 1321, G replaced by T.
Protein change: p.Asp441Tyr; replaces aspartic acid 441 with tyrosine.
Molecular consequence: missense variant.
Genome position (GRCh38, 1-based): chr17:65,537,715, C>A on the plus strand (G>T on the coding strand, the complement: AXIN2 is on the minus strand). VCF-style: chr17-65537715-C-A. GRCh37 (hg19) VCF-style: chr17-63533833-C-A.
Other names: c.1321G>T, p.Asp441Tyr (NM_001363813.1); short protein forms D441Y.
Identifiers: ClinVar variation 2189723 (VCV002189723.5), dbSNP rs1555577991, ClinGen allele CA400677734.

ClinVar aggregate classification (germline): Uncertain significance. Review status: criteria provided, multiple submitters, no conflicts (2 of 4 stars). 2 submissions from 2 submitters: Uncertain significance (2). Last evaluated 2024-03-27.

Conditions:
Oligodontia-cancer predisposition syndrome. Also called: TOOTH AGENESIS-COLORECTAL CANCER SYNDROME. Identifiers: Orphanet 300576, MedGen C1837750, MONDO:0012075, OMIM 608615. Disease mechanism: loss of function.
Hereditary cancer-predisposing syndrome. Also called: Hereditary Cancer Syndrome; Tumor predisposition; Hereditary neoplastic syndrome; Neoplastic Syndromes, Hereditary. Identifiers: Orphanet 140162, MedGen C0027672, MeSH D009386, MONDO:0015356.

Submissions (2):

Ambry Genetics
Classification: Uncertain significance for Hereditary cancer-predisposing syndrome. Last evaluated: 2024-03-27. Review status: criteria provided, single submitter. Criteria: Ambry Variant Classification Scheme 2023. Collection method: clinical testing. Allele origin: germline.
Comment: The p.D441Y variant (also known as c.1321G>T), located in coding exon 5 of the AXIN2 gene, results from a G to T substitution at nucleotide position 1321. The aspartic acid at codon 441 is replaced by tyrosine, an amino acid with highly dissimilar properties. This amino acid position is conserved. In addition, the in silico prediction for this alteration is inconclusive. Based on the available evidence, the clinical significance of this alteration remains unclear.

Labcorp Genetics (formerly Invitae), Labcorp
Classification: Uncertain significance for Oligodontia-cancer predisposition syndrome. Last evaluated: 2022-03-03. Review status: criteria provided, single submitter. Criteria: Invitae Variant Classification Sherloc (09022015). Collection method: clinical testing. Allele origin: germline.
Comment: In summary, the available evidence is currently insufficient to determine the role of this variant in disease. Therefore, it has been classified as a Variant of Uncertain Significance. Algorithms developed to predict the effect of missense changes on protein structure and function (SIFT, PolyPhen-2, Align-GVGD) all suggest that this variant is likely to be disruptive. This variant has not been reported in the literature in individuals affected with AXIN2-related conditions. This variant is not present in population databases (gnomAD no frequency). This sequence change replaces aspartic acid, which is acidic and polar, with tyrosine, which is neutral and polar, at codon 441 of the AXIN2 protein (p.Asp441Tyr).